The following is an entry in ClinVar:

NM_005188.4(CBL):c.86T>G (p.Met29Arg)

Genes: CBL (Cbl proto-oncogene; plus strand), LOC130006895 (ATAC-STARR-seq lymphoblastoid silent region 3975; plus strand). Cytogenetic location: 11q23.3.
Variant type: single nucleotide variant.
Coding change: c.86T>G on transcript NM_005188.4 (MANE Select); coding-DNA position 86, T replaced by G.
Protein change: p.Met29Arg; replaces methionine 29 with arginine.
Molecular consequence: missense variant.
Genome position (GRCh38, 1-based): chr11:119,206,503, T>G. VCF-style: chr11-119206503-T-G. GRCh37 (hg19) VCF-style: chr11-119077213-T-G.
Other names: short protein forms M29R.
Identifiers: ClinVar variation 3263628 (VCV003263628.2).

ClinVar aggregate classification (germline): Uncertain significance (1 of 4 stars; one submission).

Conditions:
Cardiovascular phenotype. Identifiers: MedGen CN230736.

Submission:

Ambry Genetics
Classification: Uncertain significance for Cardiovascular phenotype. Last evaluated: 2026-07-01. Review status: criteria provided, single submitter. Criteria: Ambry Variant Classification Scheme 2023. Collection method: clinical testing. Allele origin: germline.
Comment: The p.M29R variant (also known as c.86T>G), located in coding exon 1 of the CBL gene, results from a T to G substitution at nucleotide position 86. The methionine at codon 29 is replaced by arginine, an amino acid with similar properties. This amino acid position is conserved. In addition, the in silico prediction for this alteration is inconclusive. Based on the available evidence, the clinical significance of this variant remains unclear.